The following is an entry in ClinVar:

NM_000203.5(IDUA):c.973-13T>G

Gene: IDUA (alpha-L-iduronidase; plus strand). Cytogenetic location: 4p16.3.
Variant type: single nucleotide variant.
Coding change: c.973-13T>G on transcript NM_000203.5 (MANE Select); 13 bases into the intron before coding-DNA position 973, T replaced by G.
Molecular consequence: intron variant.
Genome position (GRCh38, 1-based): chr4:1,002,256, T>G. VCF-style: chr4-1002256-T-G. GRCh37 (hg19) VCF-style: chr4-996044-T-G.
Other names: c.577-13T>G (NM_001363576.1).
Identifiers: ClinVar variation 1980652 (VCV001980652.3), dbSNP rs1715134673, ClinGen allele CA1433068966.

ClinVar aggregate classification (germline): Uncertain significance (1 of 4 stars; one submission).

Conditions:
Mucopolysaccharidosis type 1. Also called: IDUA deficiency; MPS I. Identifiers: Orphanet 579, MedGen C0023786, MONDO:0001586.

Allele frequency attached by ClinVar (database versions not stated): gnomAD exomes below 0.00001; TOPMed below 0.00001.
gnomAD v4.1: 1 of 1,606,564 alleles (0.000062%); highest among the groups gnomAD compares: East Asian, 0.0022%; no homozygotes.

Submission:

Labcorp Genetics (formerly Invitae), Labcorp
Classification: Uncertain significance for Mucopolysaccharidosis type 1. Last evaluated: 2022-06-13. Review status: criteria provided, single submitter. Criteria: Invitae Variant Classification Sherloc (09022015). Collection method: clinical testing. Allele origin: germline.
Comment: In summary, the available evidence is currently insufficient to determine the role of this variant in disease. Therefore, it has been classified as a Variant of Uncertain Significance. Algorithms developed to predict the effect of sequence changes on RNA splicing suggest that this variant may disrupt the consensus splice site. This variant has not been reported in the literature in individuals affected with IDUA-related conditions. This variant is not present in population databases (gnomAD no frequency). This sequence change falls in intron 7 of the IDUA gene. It does not directly change the encoded amino acid sequence of the IDUA protein.